The following is an entry in ClinVar:

ClinVar aggregate classification (germline): Uncertain significance (1 of 4 stars; one submission).

Allele frequency attached by ClinVar (database versions not stated): gnomAD 0.00001; TOPMed 0.00001 and 0.00003.

Submission:

GeneDx
Classification: Uncertain significance. Last evaluated: 2019-12-19. Review status: criteria provided, single submitter. Criteria: GeneDx Variant Classification Process June 2021. Collection method: clinical testing. Allele origin: germline. Affected: yes.
Comment: Not observed in large population cohorts (Lek et al., 2016); Nonsense variant predicted to result in protein truncation, although loss-of-function variants have not been reported downstream of this position in the protein; Has not been previously published as pathogenic or benign to our knowledge

NM_020754.4(ARHGAP31):c.4297del (p.Ser1432_Val1433insTer)

Gene: ARHGAP31 (Rho GTPase activating protein 31; plus strand). Cytogenetic location: 3q13.33.
Variant type: Deletion.
Coding change: c.4297del on transcript NM_020754.4 (MANE Select); coding-DNA position 4297, one base deleted (G; older notation c.4297delG).
Protein change: p.Ser1432_Val1433insTer.
Molecular consequence: nonsense.
Genome position (GRCh38, 1-based): chr3:119,416,226, G deleted. VCF-style (leftmost placement, unchanged base first): chr3-119416225-AG-A. GRCh37 (hg19) VCF-style: chr3-119135072-AG-A.
Other names: c.4297delG (NM_020754.2).
Identifiers: ClinVar variation 504068 (VCV000504068.3), dbSNP rs1191390866, ClinGen allele CA658796354.